The following is an entry in ClinVar:

NM_006129.5(BMP1):c.*22G>A

Gene: BMP1 (bone morphogenetic protein 1; plus strand). Cytogenetic location: 8p21.3.
Variant type: single nucleotide variant.
Coding change: c.*22G>A on transcript NM_006129.5 (MANE Select); 22 bases downstream of the stop codon, G replaced by A.
Molecular consequence: 3 prime UTR variant. On other transcripts: non-coding transcript variant (1).
Genome position (GRCh38, 1-based): chr8:22,211,750, G>A. VCF-style: chr8-22211750-G-A. GRCh37 (hg19) VCF-style: chr8-22069263-G-A.
Identifiers: ClinVar variation 910422 (VCV000910422.7), dbSNP rs10093980, ClinGen allele CA4665418.
Genomic context (GRCh38, chr8:22,211,750, plus strand): 5'-AGCACCAAGTTCCAGGACACACTCCACAGCAGGAAGTGACCACTGCCTGAGCAGGGGCGG[G>A]GACTGGAGCCTGCTGCCCTTGGTCGCCTAGACTGGATAGTGGGGGTGGGCGGAAGGCAAC-3'

ClinVar aggregate classification (germline): Benign/Likely benign. Review status: criteria provided, multiple submitters, no conflicts (2 of 4 stars). 2 submissions from 2 submitters: Benign (1); Likely benign (1). Last evaluated 2018-07-10.

Conditions:
Osteogenesis imperfecta type 13. Also called: Osteogenesis imperfecta, type xiii; OI, TYPE XIII. Identifiers: Orphanet 666, MedGen C3553887, MONDO:0013924, OMIM 614856.

Allele frequency attached by ClinVar (database versions not stated): gnomAD exomes 0.00067 and 0.00166; ExAC 0.00205; 1000 Genomes Project 0.00519; 1000 Genomes Project 30x 0.00593; gnomAD 0.00703 and 0.00767; TOPMed 0.00774; ESP Exome Variant Server 0.00815.
gnomAD v4.1: 2,081 of 1,614,050 alleles (0.13%); highest among the groups gnomAD compares: African/African-American, 2.5%; 28 homozygotes.

Submissions (2):

GeneDx
Classification: Likely benign. Last evaluated: 2018-07-10. Review status: criteria provided, single submitter. Criteria: GeneDx Variant Classification Process June 2021. Collection method: clinical testing. Allele origin: germline. Affected: yes.

Illumina Laboratory Services, Illumina
Classification: Benign for Osteogenesis imperfecta type 13. Last evaluated: 2018-01-12. Review status: criteria provided, single submitter. Criteria: ICSL Variant Classification Criteria 13 December 2019. Collection method: clinical testing. Allele origin: germline.
Comment: This variant was observed in the ICSL laboratory as part of a predisposition screen in an ostensibly healthy population. It had not been previously curated by ICSL or reported in the Human Gene Mutation Database (HGMD: prior to June 1st, 2018), and was therefore a candidate for classification through an automated scoring system. Utilizing variant allele frequency, disease prevalence and penetrance estimates, and inheritance mode, an automated score was calculated to assess if this variant is too frequent to cause the disease. Based on the score and internal cut-off values, a variant classified as benign is not then subjected to further curation. The score for this variant resulted in a classification of benign for this disease.